The following is an entry in ClinVar:

ClinVar aggregate classification (germline): Likely pathogenic. Review status: reviewed by expert panel (3 of 4 stars). 4 submissions from 4 submitters: Likely pathogenic (1). 3 of the submissions do not count toward it. Last evaluated 2025-05-15.

Conditions:
Hereditary cancer-predisposing syndrome. Also called: Hereditary Cancer Syndrome; Hereditary neoplastic syndrome; Tumor predisposition; Neoplastic Syndromes, Hereditary. Identifiers: Orphanet 140162, MedGen C0027672, MeSH D009386, MONDO:0015356.
Familial adenomatous polyposis 1 (FAP1). Also called: FAMILIAL ADENOMATOUS POLYPOSIS 1, ATTENUATED; POLYPOSIS, ADENOMATOUS INTESTINAL. Identifiers: MedGen C2713442, MONDO:0021056, OMIM 175100. Disease mechanism: loss of function.

Submissions (4):

ClinGen InSiGHT Hereditary Colorectal Cancer/Polyposis Variant Curation Expert Panel
Classification: Likely pathogenic for Familial adenomatous polyposis 1. Last evaluated: 2025-05-15. Review status: reviewed by expert panel. Criteria: ClinGen InSiGHT HCCP VCEP ACMG Specifications APC V1. Collection method: curation. Allele origin: germline. Inheritance: Autosomal dominant inheritance.
Comment: The NM_000038.6(APC):c.531+5G>A variant in APC is an intronic variant which consists of a G>A nucleotide substitution at the +5 position of intron 5 of the APC gene. The results from in silico splicing predictors (SpliceAI and MaxEntScan) indicate that this variant may affect splicing by disrupting the donor splice site of intron 5 of APC (PP3). This variant is absent from gnomAD v2.1.1 (PM2_Supporting). This variant has been reported in 3 probands meeting 2 phenotype points (PS4_Moderate; PMID: 21813337, GeneDX internal cases). The variant has been reported in 3 additional probands with a colorectal cancer/polyposis associated phenotype not meeting phenotypic criteria (PMID: 25980754, 26681312, Ambry internal case). This variant has similar in silico predictions compared to another splicing variant at that same nucleotide position (c.531+5G>C) (PMID: 12010888, 20223039, 19196998, ClinVar ID 279681), which has been classified as likely pathogenic for FAP by the ClinGen InSiGHT Hereditary Colorectal Cancer/Polyposis VCEP (PS1_Moderate). In summary, this variant meets the criteria to be classified as Likely Pathogenic for autosomal-dominant inherited FAP based on the ACMG/AMP criteria applied, as specified by the ClinGen InSiGHT Hereditary Colorectal Cancer/Polyposis: criteria PS1_Moderate, PS4_Moderate, PM2_Supporting and PP3 applied (VCEP specifications v2.1.0; date of approval 11/24/2023).

Ambry Genetics
Classification: Pathogenic for Hereditary cancer-predisposing syndrome. Last evaluated: 2023-12-29. Review status: criteria provided, single submitter. Criteria: Ambry Variant Classification Scheme 2023. Collection method: clinical testing. Allele origin: germline. Not counted in ClinVar's aggregate classification.
Comment: The c.531+5G>A intronic pathogenic mutation results from a G to A substitution 5 nucleotides after coding exon 4 in the APC gene. This alteration has been observed in multiple individuals with a personal and/or family history that is consistent with APC-related disease (Ambry internal data; Susswein LR et al. Genet Med. 2016 Aug;18:823-32). This nucleotide position is highly conserved in available vertebrate species. In silico splice site analysis predicts that this alteration will weaken the native splice donor site. RNA studies have demonstrated that this alteration results in abnormal splicing in the set of samples tested (Ambry internal data). This variant is considered to be rare based on population cohorts in the Genome Aggregation Database (gnomAD). Based on the supporting evidence, this alteration is interpreted as a disease-causing mutation.

Myriad Genetics, Inc.
Classification: Pathogenic for Familial adenomatous polyposis 1. Last evaluated: 2023-04-27. Review status: criteria provided, single submitter. Criteria: Myriad Autosomal Dominant, Autosomal Recessive and X-Linked Classification Criteria (2023). Collection method: clinical testing. Allele origin: unknown. Not counted in ClinVar's aggregate classification.
Comment: This variant is considered pathogenic. mRNA analysis has demonstrated abnormal mRNA splicing occurs [PMID: 12010888].

GeneDx
Classification: Pathogenic. Last evaluated: 2021-10-26. Review status: criteria provided, single submitter. Criteria: GeneDx Variant Classification Process June 2021. Collection method: clinical testing. Allele origin: germline. Affected: yes. Not counted in ClinVar's aggregate classification.
Comment: Intronic +5 splice site variant in a gene for which loss-of-function is a known mechanism of disease, and splice predictors support a deleterious effect; Not observed at significant frequency in large population cohorts (Lek 2016); Also known as IVS4+5G>A; This variant is associated with the following publications: (PMID: 25980754, 21813337, 26681312)

Literature cited by the submitters: PubMed 26681312 (cited by Ambry Genetics); PubMed 12010888 (cited by Myriad Genetics, Inc.).

NM_000038.6(APC):c.531+5G>A

Gene: APC (APC regulator of Wnt signaling pathway; plus strand). Cytogenetic location: 5q22.2.
Variant type: single nucleotide variant.
Coding change: c.531+5G>A on transcript NM_000038.6 (MANE Select); 5 bases into the intron after coding-DNA position 531, G replaced by A.
Molecular consequence: intron variant.
Genome position (GRCh38, 1-based): chr5:112,775,742, G>A. VCF-style: chr5-112775742-G-A. GRCh37 (hg19) VCF-style: chr5-112111439-G-A.
Other names: IVS5+5G>A; c.531+5G>A (NM_001354895.2, NM_001127510.3, NM_001354896.2 and 2 more transcripts); c.561+5G>A (NM_001354897.2, NM_001354902.2, NM_001127511.3); c.456+5G>A (NM_001354898.2, NM_001354904.2); c.-505+5G>A (NM_001354906.2); c.354+5G>A (NM_001354900.2, NM_001354901.2, NM_001354905.2).
Identifiers: ClinVar variation 127305 (VCV000127305.7), dbSNP rs587779798, ClinGen allele CA010191.